The following is an entry in ClinVar:

NM_000293.3(PHKB):c.436A>G (p.Thr146Ala)

Gene: PHKB (phosphorylase kinase regulatory subunit beta; plus strand). Cytogenetic location: 16q12.1.
Variant type: single nucleotide variant.
Coding change: c.436A>G on transcript NM_000293.3 (MANE Select); coding-DNA position 436, A replaced by G.
Protein change: p.Thr146Ala; replaces threonine 146 with alanine.
Molecular consequence: missense variant.
Genome position (GRCh38, 1-based): chr16:47,511,695, A>G. VCF-style: chr16-47511695-A-G. GRCh37 (hg19) VCF-style: chr16-47545606-A-G.
Other names: p.Thr146Ala; c.415A>G, p.Thr139Ala (NM_001031835.3); c.436A>G, p.Thr146Ala (NM_001363837.1); short protein forms T139A, T146A.
Identifiers: ClinVar variation 659474 (VCV000659474.10), dbSNP rs146558295, ClinGen allele CA8040486.

ClinVar aggregate classification (germline): Uncertain significance. Review status: criteria provided, multiple submitters, no conflicts (2 of 4 stars). 3 submissions from 3 submitters: Uncertain significance (3). Last evaluated 2024-02-19.

Conditions:
Glycogen storage disease IXb (GSD9B). Also called: GLYCOGENOSIS OF LIVER AND MUSCLE, AUTOSOMAL RECESSIVE; GSD IXb; PHOSPHORYLASE KINASE DEFICIENCY OF LIVER AND MUSCLE, AUTOSOMAL RECESSIVE. Identifiers: Orphanet 79240, MedGen C0543514, MONDO:0009868, OMIM 261750.

Allele frequency attached by ClinVar (database versions not stated): ExAC 0.00018; TOPMed 0.00047; gnomAD 0.00049 and 0.00051; ESP Exome Variant Server 0.00069; 1000 Genomes Project 0.00080; 1000 Genomes Project 30x 0.00109; gnomAD exomes 0.00010 and 0.00003.
gnomAD v4.1: 117 of 1,613,358 alleles (0.0073%); highest among the groups gnomAD compares: African/African-American, 0.15%; no homozygotes.

Submissions (3):

Blueprint Genetics
Classification: Uncertain significance. Last evaluated: 2024-02-19. Review status: criteria provided, single submitter. Criteria: ACMG Guidelines, 2015. Collection method: clinical testing. Allele origin: germline.

Labcorp Genetics (formerly Invitae), Labcorp
Classification: Uncertain significance for Glycogen storage disease IXb. Last evaluated: 2022-08-07. Review status: criteria provided, single submitter. Criteria: Invitae Variant Classification Sherloc (09022015). Collection method: clinical testing. Allele origin: germline.
Comment: This sequence change replaces threonine, which is neutral and polar, with alanine, which is neutral and non-polar, at codon 146 of the PHKB protein (p.Thr146Ala). This variant is present in population databases (rs146558295, gnomAD 0.2%). This variant has not been reported in the literature in individuals affected with PHKB-related conditions. ClinVar contains an entry for this variant (Variation ID: 659474). Algorithms developed to predict the effect of missense changes on protein structure and function output the following: SIFT: "Tolerated"; PolyPhen-2: "Benign"; Align-GVGD: "Class C0". The alanine amino acid residue is found in multiple mammalian species, which suggests that this missense change does not adversely affect protein function. In summary, the available evidence is currently insufficient to determine the role of this variant in disease. Therefore, it has been classified as a Variant of Uncertain Significance.

Mayo Clinic Laboratories, Mayo Clinic
Classification: Uncertain significance. Last evaluated: 2021-10-20. Review status: criteria provided, single submitter. Criteria: ACMG Guidelines, 2015. Collection method: clinical testing. Allele origin: germline.